The following continues an entry in ClinVar:

NM_000083.3(CLCN1):c.2680C>T (p.Arg894Ter)

Gene: CLCN1. ClinVar aggregate classification (germline): Pathogenic/Likely pathogenic. Pathogenic (39); Likely pathogenic (5).

Submissions 39 to 49 of 49:

Baylor Genetics
Classification: Pathogenic for Congenital myotonia, autosomal dominant form; Congenital myotonia, autosomal recessive form. Last evaluated: 2012-10-17. Review status: criteria provided, single submitter. Criteria: ACMG Guidelines, 2015. Collection method: clinical testing. Allele origin: germline. Affected: yes.

Clinical Genetics Service, Universitary Hospital 12 de Octubre
Classification: Pathogenic for Congenital myotonia, autosomal recessive form; Congenital myotonia, autosomal dominant form. Review status: criteria provided, single submitter. Criteria: ACMG Guidelines, 2015. Collection method: clinical testing. Allele origin: germline. Affected: yes.

Department Of Human Genetics, Institute Of Clinical And Translational Research, Biomedical Research Center, Slovak Academy Of Sciences
Classification: Pathogenic for Congenital myotonia, autosomal recessive form; Congenital myotonia, autosomal dominant form. Review status: criteria provided, single submitter. Criteria: ACMG Guidelines, 2015. Collection method: research. Allele origin: germline. Inheritance: Autosomal unknown. Affected: yes. Observed: 6 variant alleles.
Comment: The c.2680C>T (p.(Arg894*)) variant was found in a heterozygous state in 6 Slovak patient with Myotonia congenita, 3 of whom carried also another Likely pathogenic variants in heterozygous state, namely c.1437_1450del, c.1238T>G, and c.1231G>T. The c.2680C>T variant is listed as a disease-causing in the HGMD database (CM940286) and it has been published for the first time in PMID: 7874130. GnomAD Exomes Version: 4.0 indicates the frequency of f = 0.0000315.

Imagene.me medical diagnostic laboratory, IMAGENE.ME SA
Classification: Pathogenic for Congenital myotonia, autosomal recessive form. Review status: criteria provided, single submitter. Criteria: IMAGENE.ME Variant Classification SOP 2022. Collection method: clinical testing. Allele origin: germline. Affected: yes.
Comment: Classified according to the IMAGENE.ME variant classification SOP based on the ACMG guidelines as Pathogenic (P): PVS1_Strong + PS3_Moderate + PS4 + PP4

Imagene.me medical diagnostic laboratory, IMAGENE.ME SA
Classification: Pathogenic for Congenital myotonia, autosomal dominant form. Review status: criteria provided, single submitter. Criteria: IMAGENE.ME Variant Classification SOP 2022. Collection method: clinical testing. Allele origin: germline. Affected: yes.
Comment: Classified according to the IMAGENE.ME variant classification SOP based on the ACMG guidelines as Pathogenic (P): PVS1_Strong + PS3_Moderate + PS4

Institute of Human Genetics, University Hospital of Duesseldorf
Classification: Pathogenic for Congenital myotonia, autosomal recessive form. Review status: criteria provided, single submitter. Criteria: ACMG Guidelines, 2015. Collection method: not provided. Allele origin: germline. Inheritance: Autosomal recessive inheritance. Affected: yes.

OMIM
Classification: Pathogenic for MYOTONIA CONGENITA, AUTOSOMAL RECESSIVE. Last evaluated: 2009-05-01. Review status: no assertion criteria provided. Collection method: literature only. Allele origin: germline. Not counted in ClinVar's aggregate classification.

OMIM
Classification: Pathogenic for MYOTONIA CONGENITA, AUTOSOMAL DOMINANT. Last evaluated: 2009-05-01. Review status: no assertion criteria provided. Collection method: literature only. Allele origin: germline. Not counted in ClinVar's aggregate classification.

Clinical Genetics DNA and cytogenetics Diagnostics Lab, Erasmus MC, Erasmus Medical Center
Classification: Pathogenic. Review status: no assertion criteria provided. Collection method: clinical testing. Allele origin: germline. Affected: yes. Study: VKGL Data-share Consensus. Not counted in ClinVar's aggregate classification.

GeneReviews
No classification provided. Condition: Batten-Turner congenital myopathy. Review status: no classification provided. Collection method: literature only. Allele origin: germline. Not counted in ClinVar's aggregate classification.
Comment: Associated with autosomal recessive and autosomal dominant mode of inheritance

Joint Genome Diagnostic Labs from Nijmegen and Maastricht, Radboudumc and MUMC+
Classification: Pathogenic. Review status: no assertion criteria provided. Collection method: clinical testing. Allele origin: germline. Affected: yes. Study: VKGL Data-share Consensus. Not counted in ClinVar's aggregate classification.

Literature cited by the submitters: PubMed 8845168 (cited by Dasa and Labcorp Genetics (formerly Invitae), Labcorp); PubMed 27614575 (cited by 4 submitters); PubMed 27296017 (cited by 4 submitters); PubMed 7874130 (cited by 5 submitters); PubMed 8533761 (cited by 8 submitters); PubMed 11840191 (cited by 5 submitters); PubMed 15162127 (cited by 3 submitters); PubMed 18337730 (cited by Labcorp Genetics (formerly Invitae), Labcorp and Laboratory for Molecular Medicine, Mass General Brigham Personalized Medicine); PubMed 22094069 (cited by Labcorp Genetics (formerly Invitae), Labcorp and Laboratory for Molecular Medicine, Mass General Brigham Personalized Medicine); PubMed 22197187 (cited by 4 submitters); PubMed 24349310 (cited by 3 submitters); PubMed 26096614 (cited by Labcorp Genetics (formerly Invitae), Labcorp); PubMed 27142102 (cited by Labcorp Genetics (formerly Invitae), Labcorp); PubMed 17990293 (cited by 5 submitters); PubMed 37712079 (cited by Clinical Omics and Informatics (COIN) Unit, Neuroscience Institute, University Of Cape Town); PubMed 20301529 (cited by Victorian Clinical Genetics Services, Murdoch Childrens Research Institute and Illumina Laboratory Services, Illumina); PubMed 23893571 (cited by Victorian Clinical Genetics Services, Murdoch Childrens Research Institute and GeneReviews); PubMed 32010054 (cited by Victorian Clinical Genetics Services, Murdoch Childrens Research Institute); PubMed 32117024 (cited by Victorian Clinical Genetics Services, Murdoch Childrens Research Institute); PubMed 32670189 (cited by Victorian Clinical Genetics Services, Murdoch Childrens Research Institute); PubMed 33013670 (cited by Victorian Clinical Genetics Services, Murdoch Childrens Research Institute and Athena Diagnostics); PubMed 33263785 (cited by Victorian Clinical Genetics Services, Murdoch Childrens Research Institute and Athena Diagnostics); PubMed 34418069 (cited by Victorian Clinical Genetics Services, Murdoch Childrens Research Institute); PubMed 23097607 (cited by Athena Diagnostics and Baylor Genetics); PubMed 18807109 (cited by Athena Diagnostics and Illumina Laboratory Services, Illumina); PubMed 17932099 (cited by Athena Diagnostics and Laboratory for Molecular Medicine, Mass General Brigham Personalized Medicine); PubMed 10644771 (cited by Athena Diagnostics); PubMed 17107341 (cited by Athena Diagnostics); PubMed 15980168 (cited by Athena Diagnostics); PubMed 12390967 (cited by Athena Diagnostics); PubMed 29606556 (cited by Athena Diagnostics); PubMed 34529042 (cited by Athena Diagnostics); PubMed 32528171 (cited by Athena Diagnostics); PubMed 23152584 (cited by Women's Health and Genetics/Laboratory Corporation of America, LabCorp); PubMed 34008892 (cited by Laboratory of Medical Genetics, National & Kapodistrian University of Athens); PubMed 37091313 (cited by Practice for Gait Abnormalities, David Pomarino, Competency Network Toe Walking C/o Practice Pomarino); PubMed 23739125 (cited by Laboratory for Molecular Medicine, Mass General Brigham Personalized Medicine); PubMed 10430417 (cited by Illumina Laboratory Services, Illumina); PubMed 22995991 (cited by Baylor Genetics); PubMed 10665666 (cited by Baylor Genetics); PubMed 11933197 (cited by OMIM); PubMed 18337100 (cited by OMIM); PubMed 8857727 (cited by GeneReviews); PubMed 8571958 (cited by GeneReviews); PubMed 8857733 (cited by GeneReviews); PubMed 9566422 (cited by GeneReviews); PubMed 18263754 (cited by GeneReviews).